The following is an entry in ClinVar:

NM_003049.4(SLC10A1):c.615_618del (p.Ser206fs)

Gene: SLC10A1 (solute carrier family 10 member 1; minus strand). Cytogenetic location: 14q24.1.
Variant type: Microsatellite.
Coding change: c.615_618del on transcript NM_003049.4 (MANE Select); coding-DNA positions 615 to 618, 4 bases deleted (CTCT; older notation c.615_618delCTCT).
Protein change: p.Ser206fs; shifts the reading frame from serine 206.
Molecular consequence: frameshift variant.
Genome position (GRCh38, 1-based): chr14:69,779,310-69,779,313, AGAG deleted on the plus strand (CTCT on the coding strand, the reverse complement: SLC10A1 is on the minus strand); deleting any 4 consecutive bases within chr14:69,779,310-69,779,316 gives the same sequence; the c. name uses the placement nearest the transcript's 3' end. VCF-style (leftmost placement, unchanged base first): chr14-69779309-CAGAG-C. GRCh37 (hg19) VCF-style: chr14-70246026-CAGAG-C.
Other names: p.Ser206Profs*12; short protein forms S206fs.
Identifiers: ClinVar variation 2634668 (VCV002634668.4), dbSNP rs748008197, ClinGen allele CA7246068.

ClinVar aggregate classification (germline): Likely pathogenic. Review status: criteria provided, single submitter (1 of 4 stars). 2 submissions from 2 submitters: Likely pathogenic (1). 1 of the submissions does not count toward it. Last evaluated 2023-08-24.

Conditions:
SLC10A1-related disorder. Also called: SLC10A1-related condition.

Submissions (2):

Mayo Clinic Laboratories, Mayo Clinic
Classification: Likely pathogenic. Last evaluated: 2023-08-24. Review status: criteria provided, single submitter. Criteria: ACMG Guidelines, 2015. Collection method: clinical testing. Allele origin: germline. Observed: 1 variant allele.
Comment: PM2_moderate, PVS1

PreventionGenetics, part of Exact Sciences
Classification: Likely pathogenic for SLC10A1-related condition. Last evaluated: 2023-11-16. Review status: no assertion criteria provided. Collection method: clinical testing. Allele origin: germline. Not counted in ClinVar's aggregate classification.
Comment: The SLC10A1 c.615_618delCTCT variant is predicted to result in a frameshift and premature protein termination (p.Ser206Profs*12). This variant was reported in the compound heterozygous state in an individual with SLC10A1 deficiency (Van Herpe. 2017. PubMed ID: 28283843). This variant is reported in 0.026% of alleles in individuals of South Asian descent in gnomAD. Frameshift variants in SLC10A1 are expected to be pathogenic. This variant is interpreted as likely pathogenic.

Literature cited by the submitters: PubMed 28283843 (cited by Mayo Clinic Laboratories, Mayo Clinic).